The following is an entry in ClinVar:

NM_000091.5(COL4A3):c.387+7A>G

Genes: COL4A3 (collagen type IV alpha 3 chain; plus strand), MFF-DT (MFF divergent transcript; minus strand). Cytogenetic location: 2q36.3.
Variant type: single nucleotide variant.
Coding change: c.387+7A>G on transcript NM_000091.5 (MANE Select); 7 bases into the intron after coding-DNA position 387, A replaced by G.
Molecular consequence: intron variant.
Genome position (GRCh38, 1-based): chr2:227,246,023, A>G. VCF-style: chr2-227246023-A-G. GRCh37 (hg19) VCF-style: chr2-228110739-A-G.
Identifiers: ClinVar variation 3029530 (VCV003029530.2), dbSNP rs2469503045, ClinGen allele CA2663416881.
Genomic context (GRCh38, chr2:227,246,023, plus strand): 5'-GGCAATACCGGGCCTTACGGACTTGTCGGTGTACCAGGATGCAGTGGTTCTAAGGTAAGT[A>G]CTTTTCACACAGAAGATGATTAATAAATGCTTTGCTGAATGATTAAATCAAGGTGAAATG-3'

ClinVar aggregate classification (germline): Likely benign (0 of 4 stars; one submission).

Conditions:
COL4A3-related disorder. Also called: COL4A3-Related Disorders; COL4A3-related condition.

Allele frequency attached by ClinVar (database versions not stated): gnomAD exomes below 0.00001.
gnomAD v4.1: 1 of 1,601,806 alleles (0.000062%); highest among the groups gnomAD compares: Non-Finnish European, 0.000086%; no homozygotes.

Submission:

PreventionGenetics, part of Exact Sciences
Classification: Likely benign for COL4A3-related condition. Last evaluated: 2021-11-23. Review status: no assertion criteria provided. Collection method: clinical testing. Allele origin: germline.
Comment: This variant is classified as likely benign based on ACMG/AMP sequence variant interpretation guidelines (Richards et al. 2015 PMID: 25741868, with internal and published modifications).